The following is an entry in ClinVar:

ClinVar aggregate classification (germline): Uncertain significance. Review status: criteria provided, multiple submitters, no conflicts (2 of 4 stars). 3 submissions from 3 submitters: Uncertain significance (3). Last evaluated 2024-11-07.

Conditions:
Inborn genetic diseases. Identifiers: MedGen C0950123, MeSH D030342.

Allele frequency attached by ClinVar (database versions not stated): gnomAD 0.00003; TOPMed 0.00003; ExAC 0.00005.
gnomAD v4.1: 53 of 1,612,086 alleles (0.0033%); highest among the groups gnomAD compares: Non-Finnish European, 0.0036%; 1 homozygote.

Submissions (3):

Labcorp Genetics (formerly Invitae), Labcorp
Classification: Uncertain significance. Last evaluated: 2024-11-07. Review status: criteria provided, single submitter. Criteria: Invitae Variant Classification Sherloc (09022015). Collection method: clinical testing. Allele origin: germline.
Comment: This sequence change replaces proline, which is neutral and non-polar, with leucine, which is neutral and non-polar, at codon 1123 of the ARHGEF18 protein (p.Pro1123Leu). This variant is present in population databases (rs768494322, gnomAD 0.01%). This variant has not been reported in the literature in individuals affected with ARHGEF18-related conditions. ClinVar contains an entry for this variant (Variation ID: 2649158). An algorithm developed to predict the effect of missense changes on protein structure and function outputs the following: PolyPhen-2: "Benign". The leucine amino acid residue is found in multiple mammalian species, which suggests that this missense change does not adversely affect protein function. In summary, the available evidence is currently insufficient to determine the role of this variant in disease. Therefore, it has been classified as a Variant of Uncertain Significance.

Ambry Genetics
Classification: Uncertain significance for Inborn genetic diseases. Last evaluated: 2024-01-08. Review status: criteria provided, single submitter. Criteria: Ambry Variant Classification Scheme 2023. Collection method: clinical testing. Allele origin: germline.

CeGaT Center for Human Genetics Tuebingen
Classification: Uncertain significance. Last evaluated: 2023-07-01. Review status: criteria provided, single submitter. Criteria: CeGaT Center For Human Genetics Tuebingen Variant Classification Criteria Version 2. Collection method: clinical testing. Allele origin: germline. Affected: yes. Observed: 1 variant allele.
Comment: ARHGEF18: PM2:Supporting, BP4

NM_001367823.1(ARHGEF18):c.3932C>T (p.Pro1311Leu)

Gene: ARHGEF18 (Rho/Rac guanine nucleotide exchange factor 18; plus strand). Cytogenetic location: 19p13.2.
Variant type: single nucleotide variant.
Coding change: c.3932C>T on transcript NM_001367823.1 (MANE Select); coding-DNA position 3932, C replaced by T.
Protein change: p.Pro1311Leu; replaces proline 1311 with leucine.
Molecular consequence: missense variant.
Genome position (GRCh38, 1-based): chr19:7,470,144, C>T. VCF-style: chr19-7470144-C-T. GRCh37 (hg19) VCF-style: chr19-7535030-C-T.
Other names: c.3368C>T (NM_001130955.1); c.3206C>T, p.Pro1069Leu (NM_001130955.2); c.2894C>T, p.Pro965Leu (NM_001367824.1, NM_015318.4); short protein forms P1069L, P1311L, P965L.
Identifiers: ClinVar variation 2649158 (VCV002649158.27), dbSNP rs768494322, ClinGen allele CA9137316.